The following is an entry in ClinVar:

NM_003865.3(HESX1):c.335G>C (p.Arg112Thr)

Gene: HESX1 (HESX homeobox 1; minus strand). Cytogenetic location: 3p14.3.
Variant type: single nucleotide variant.
Coding change: c.335G>C on transcript NM_003865.3 (MANE Select); coding-DNA position 335, G replaced by C.
Protein change: p.Arg112Thr; replaces arginine 112 with threonine.
Molecular consequence: missense variant.
Genome position (GRCh38, 1-based): chr3:57,198,775, C>G on the plus strand (G>C on the coding strand, the complement: HESX1 is on the minus strand). VCF-style: chr3-57198775-C-G. GRCh37 (hg19) VCF-style: chr3-57232803-C-G.
Other names: c.335G>C, p.Arg112Thr (NM_001376060.1, NM_001376061.1, NM_001376058.1 and 1 more transcripts); short protein forms R112T.
Identifiers: ClinVar variation 2132842 (VCV002132842.4), dbSNP rs2471734744, ClinGen allele CA353401001.

ClinVar aggregate classification (germline): Uncertain significance (1 of 4 stars; one submission).

Conditions:
Septo-optic dysplasia sequence (SOD). Also called: DE MORSIER SYNDROME; Septo-optic dysplasia. Identifiers: Orphanet 3157, MedGen C0338503, MONDO:0008428, OMIM 182230, HP:0100842.
GROWTH HORMONE DEFICIENCY WITH PITUITARY ANOMALIES. Identifiers: MedGen C2750027, OMIM 182230.

Allele frequency attached by ClinVar (database versions not stated): gnomAD exomes below 0.00001.
gnomAD v4.1: 1 of 1,614,046 alleles (0.000062%); highest among the groups gnomAD compares: Non-Finnish European, 0.000085%; no homozygotes.

Submission:

Labcorp Genetics (formerly Invitae), Labcorp
Classification: Uncertain significance for GROWTH HORMONE DEFICIENCY WITH PITUITARY ANOMALIES; Septo-optic dysplasia sequence. Last evaluated: 2023-08-17. Review status: criteria provided, single submitter. Criteria: Invitae Variant Classification Sherloc (09022015). Collection method: clinical testing. Allele origin: germline.
Comment: In summary, the available evidence is currently insufficient to determine the role of this variant in disease. Therefore, it has been classified as a Variant of Uncertain Significance. An algorithm developed to predict the effect of missense changes on protein structure and function (PolyPhen-2) suggests that this variant is likely to be disruptive. ClinVar contains an entry for this variant (Variation ID: 2132842). This variant has not been reported in the literature in individuals affected with HESX1-related conditions. This variant is not present in population databases (gnomAD no frequency). This sequence change replaces arginine, which is basic and polar, with threonine, which is neutral and polar, at codon 112 of the HESX1 protein (p.Arg112Thr).